The following is an entry in ClinVar:

ClinVar aggregate classification (germline): Uncertain significance (1 of 4 stars; one submission).

Conditions:
Familial adenomatous polyposis 2. Also called: COLORECTAL ADENOMATOUS POLYPOSIS, AUTOSOMAL RECESSIVE; ADENOMAS, MULTIPLE COLORECTAL, AUTOSOMAL RECESSIVE; Adenomas, multiple colorectal; MYH-associated polyposis; MUTYH-associated polyposis; MUTYH-related attenuated familial adenomatous polyposis. Identifiers: Orphanet 220460, Orphanet 247798, MedGen C3272841, MONDO:0012041, OMIM 608456.

Submission:

Labcorp Genetics (formerly Invitae), Labcorp
Classification: Uncertain significance for Familial adenomatous polyposis 2. Last evaluated: 2022-07-05. Review status: criteria provided, single submitter. Criteria: Invitae Variant Classification Sherloc (09022015). Collection method: clinical testing. Allele origin: germline.
Comment: This variant is not present in population databases (gnomAD no frequency). This sequence change replaces lysine, which is basic and polar, with asparagine, which is neutral and polar, at codon 38 of the MUTYH protein (p.Lys38Asn). This variant has not been reported in the literature in individuals affected with MUTYH-related conditions. In summary, the available evidence is currently insufficient to determine the role of this variant in disease. Therefore, it has been classified as a Variant of Uncertain Significance. Algorithms developed to predict the effect of missense changes on protein structure and function (SIFT, PolyPhen-2, Align-GVGD) all suggest that this variant is likely to be tolerated.

NM_001048174.2(MUTYH):c.72G>T (p.Lys24Asn)

Gene: MUTYH (mutY DNA glycosylase; minus strand). Cytogenetic location: 1p34.1.
Variant type: single nucleotide variant.
Coding change: c.72G>T on transcript NM_001048174.2 (MANE Select); coding-DNA position 72, G replaced by T.
Protein change: p.Lys24Asn; replaces lysine 24 with asparagine.
Molecular consequence: missense variant. On other transcripts: 5 prime UTR variant (4), non-coding transcript variant (2).
Genome position (GRCh38, 1-based): chr1:45,334,434, C>A on the plus strand (G>T on the coding strand, the complement: MUTYH is on the minus strand). VCF-style: chr1-45334434-C-A. GRCh37 (hg19) VCF-style: chr1-45800106-C-A.
Other names: c.72G>T, p.Lys24Asn (NM_001048171.2, NM_001048172.2, NM_001048173.2 and 15 more transcripts); c.114G>T, p.Lys38Asn (NM_001128425.2, NM_001293190.2, NM_001407069.1 and 2 more transcripts); c.-85G>T (NM_001407075.1); c.-136G>T (NM_001407082.1, NM_001350651.2); c.90G>T, p.Lys30Asn (NM_001407087.1); c.-141G>T (NM_001293192.2, NM_001293196.2, NM_001407091.1); c.-200G>T (NM_001350650.2); short protein forms K24N, K30N, K38N.
Identifiers: ClinVar variation 2014243 (VCV002014243.4), dbSNP rs1645568780, ClinGen allele CA340137085.